The following is an entry in ClinVar:

ClinVar aggregate classification (germline): Uncertain significance (1 of 4 stars; one submission).

Conditions:
Cardiovascular phenotype. Identifiers: MedGen CN230736.

gnomAD v4.1: 1 of 1,613,736 alleles (0.000062%); highest among the groups gnomAD compares: African/African-American, 0.0013%; no homozygotes.

Submission:

Ambry Genetics
Classification: Uncertain significance for Cardiovascular phenotype. Last evaluated: 2022-05-07. Review status: criteria provided, single submitter. Criteria: Ambry Variant Classification Scheme 2023. Collection method: clinical testing. Allele origin: germline.
Comment: The p.V3815L variant (also known as c.11443G>T), located in coding exon 26 of the APOB gene, results from a G to T substitution at nucleotide position 11443. The valine at codon 3815 is replaced by leucine, an amino acid with highly similar properties. This amino acid position is conserved. In addition, this alteration is predicted to be tolerated by in silico analysis. Since supporting evidence is limited at this time, the clinical significance of this alteration remains unclear.

NM_000384.3(APOB):c.11443G>T (p.Val3815Leu)

Gene: APOB (apolipoprotein B; minus strand). Cytogenetic location: 2p24.1.
Variant type: single nucleotide variant.
Coding change: c.11443G>T on transcript NM_000384.3 (MANE Select); coding-DNA position 11443, G replaced by T.
Protein change: p.Val3815Leu; replaces valine 3815 with leucine.
Molecular consequence: missense variant.
Genome position (GRCh38, 1-based): chr2:21,005,425, C>A on the plus strand (G>T on the coding strand, the complement: APOB is on the minus strand). VCF-style: chr2-21005425-C-A. GRCh37 (hg19) VCF-style: chr2-21228297-C-A.
Other names: short protein forms V3815L.
Identifiers: ClinVar variation 1732000 (VCV001732000.2), dbSNP rs551178628, ClinGen allele CA43491785.